The following is an entry in ClinVar:

NM_001267550.2(TTN):c.73168A>G (p.Thr24390Ala)

Genes: TTN (titin; minus strand), TTN-AS1 (TTN antisense RNA 1; plus strand). Cytogenetic location: 2q31.2.
Variant type: single nucleotide variant.
Coding change: c.73168A>G on transcript NM_001267550.2 (MANE Select); coding-DNA position 73168, A replaced by G.
Protein change: p.Thr24390Ala; replaces threonine 24390 with alanine.
Molecular consequence: missense variant.
Genome position (GRCh38, 1-based): chr2:178,572,964, T>C on the plus strand (A>G on the coding strand, the complement: TTN is on the minus strand). VCF-style: chr2-178572964-T-C. GRCh37 (hg19) VCF-style: chr2-179437691-T-C.
Other names: p.T22749A:ACA>GCA; c.68245A>G, p.Thr22749Ala (NM_001256850.1); c.65464A>G, p.Thr21822Ala (NM_133378.4); c.45973A>G, p.Thr15325Ala (NM_003319.4); c.46348A>G, p.Thr15450Ala (NM_133432.3); c.46549A>G, p.Thr15517Ala (NM_133437.4); short protein forms T24390A, T21822A, T22749A, T15325A, T15450A, T15517A.
Identifiers: ClinVar variation 47320 (VCV000047320.41), dbSNP rs182491843, ClinGen allele CA140678.

ClinVar aggregate classification (germline): Conflicting classifications of pathogenicity. Review status: criteria provided, conflicting classifications (1 of 4 stars). 21 submissions from 17 submitters: Uncertain significance (3); Benign (7); Likely benign (8). 3 of the submissions do not count toward it. Last evaluated 2026-02-03.

Conditions:
Cardiovascular phenotype. Identifiers: MedGen CN230736.
Dilated cardiomyopathy 1G (CMD1G). Identifiers: Orphanet 154, MedGen C1858763, MONDO:0011400, OMIM 604145.
Autosomal recessive limb-girdle muscular dystrophy type 2J (LGMDR10). Also called: Limb-girdle muscular dystrophy, type 2J; MUSCULAR DYSTROPHY, LIMB-GIRDLE, AUTOSOMAL RECESSIVE 10. Identifiers: Orphanet 140922, MedGen C1837342, MONDO:0012127, OMIM 608807.
Cardiomyopathy (CMYO). Also called: Cardiomyopathies. Identifiers: Orphanet 167848, MedGen C0878544, MONDO:0004994, HP:0001638. Inheritance: Various modes of inheritance.
Early-onset myopathy with fatal cardiomyopathy (CMYO5). Also called: Salih Myopathy; CONGENITAL MYOPATHY 5 WITH CARDIOMYOPATHY. Identifiers: Orphanet 289377, MedGen C2673677, MONDO:0012714, OMIM 611705. Disease mechanism: loss of function.
Myopathy, myofibrillar, 9, with early respiratory failure (MFM9). Also called: Hereditary myopathy with early respiratory failure; Myopathy, distal, with early respiratory failure, autosomal dominant; EDSTROM MYOPATHY; MYOPATHY, PROXIMAL, WITH EARLY RESPIRATORY MUSCLE INVOLVEMENT. Identifiers: Orphanet 178464, Orphanet 34521, MedGen C1863599, MONDO:0011362, OMIM 603689.
Tibial muscular dystrophy (TMD). Also called: Udd Distal Myopathy – Tibial Muscular Dystrophy; Tibial muscular dystrophy, tardive; UDD MYOPATHY. Identifiers: Orphanet 609, MedGen C1838244, MONDO:0010870, OMIM 600334.

Allele frequency attached by ClinVar (database versions not stated): gnomAD exomes 0.00019 and 0.00048; ExAC 0.00064; 1000 Genomes Project 0.00120; 1000 Genomes Project 30x 0.00125; ESP Exome Variant Server 0.00171; gnomAD 0.00188 and 0.00208; TOPMed 0.00238.
gnomAD v4.1: 581 of 1,613,206 alleles (0.036%); highest among the groups gnomAD compares: African/African-American, 0.69%; 1 homozygote.

Submissions (21):

Labcorp Genetics (formerly Invitae), Labcorp
Classification: Benign for Dilated cardiomyopathy 1G; Autosomal recessive limb-girdle muscular dystrophy type 2J. Last evaluated: 2026-02-03. Review status: criteria provided, single submitter. Criteria: Invitae Variant Classification Sherloc (09022015). Collection method: clinical testing. Allele origin: germline.

CeGaT Center for Human Genetics Tuebingen
Classification: Likely benign. Last evaluated: 2025-10-01. Review status: criteria provided, single submitter. Criteria: CeGaT Center For Human Genetics Tuebingen Variant Classification Criteria Version 2. Collection method: clinical testing. Allele origin: germline. Affected: yes. Observed: 1 variant allele.
Comment: TTN: BP4, BS2

Mayo Clinic Laboratories, Mayo Clinic
Classification: Likely benign. Last evaluated: 2025-08-15. Review status: criteria provided, single submitter. Criteria: ACMG Guidelines, 2015. Collection method: clinical testing. Allele origin: germline. Observed: 5 variant alleles.
Comment: BS1, BP4_moderate

Molecular Diagnostic Laboratory for Inherited Cardiovascular Disease, Montreal Heart Institute
Classification: Likely benign. Last evaluated: 2025-04-09. Review status: criteria provided, single submitter. Criteria: ACMG Guidelines, 2015. Collection method: clinical testing. Allele origin: germline. Affected: no.

ARUP Laboratories, Molecular Genetics and Genomics, ARUP Laboratories
Classification: Likely benign. Last evaluated: 2023-03-28. Review status: criteria provided, single submitter. Criteria: ARUP Molecular Germline Variant Investigation Process 2024. Collection method: clinical testing. Allele origin: germline.

Women's Health and Genetics/Laboratory Corporation of America, LabCorp
Classification: Benign. Last evaluated: 2021-07-19. Review status: criteria provided, single submitter. Criteria: LabCorp Variant Classification Summary - May 2015. Collection method: clinical testing. Allele origin: germline.
Comment: Variant summary: TTN c.65464A>G (p.Thr21822Ala) results in a non-conservative amino acid change located in the A-band region of the encoded protein sequence. Four of five in-silico tools predict a benign effect of the variant on protein function. The variant allele was found at a frequency of 0.00048 in 247532 control chromosomes, predominantly at a frequency of 0.0067 within the African or African-American subpopulation in the gnomAD database. The observed variant frequency within African or African-American control individuals in the gnomAD database is approximately 17-fold of the estimated maximal expected allele frequency for a pathogenic variant in TTN causing Dilated Cardiomyopathy phenotype (0.00039), strongly suggesting that the variant is a benign polymorphism found primarily in populations of African or African-American origin. c.65464A>G has been reported in the literature in an individual affected with Dilated Cardiomyopathy (Pugh_2014). This report does not provide unequivocal conclusions about association of the variant with Dilated Cardiomyopathy. To our knowledge, no experimental evidence demonstrating an impact on protein function has been reported. Six ClinVar submitters (evaluation after 2014) cite the variant as benign/likely benign and one ClinVar submitter (evaluation after 2014) cites it as uncertain significance. Based on the evidence outlined above, the variant was classified as benign.

GeneDx
Classification: Likely benign. Last evaluated: 2020-12-03. Review status: criteria provided, single submitter. Criteria: GeneDx Variant Classification Process June 2021. Collection method: clinical testing. Allele origin: germline. Affected: yes.
Comment: This variant is associated with the following publications: (PMID: 23861362, 24503780)

Athena Diagnostics
Classification: Benign. Last evaluated: 2019-11-12. Review status: criteria provided, single submitter. Criteria: Athena Diagnostics Criteria. Collection method: clinical testing. Allele origin: unknown.

Illumina Laboratory Services, Illumina
Classification: Uncertain significance for Early-onset myopathy with fatal cardiomyopathy. Last evaluated: 2018-01-13. Review status: criteria provided, single submitter. Criteria: ICSL Variant Classification Criteria 13 December 2019. Collection method: clinical testing. Allele origin: germline.

Illumina Laboratory Services, Illumina
Classification: Uncertain significance for Dilated cardiomyopathy 1G. Last evaluated: 2018-01-13. Review status: criteria provided, single submitter. Criteria: ICSL Variant Classification Criteria 13 December 2019. Collection method: clinical testing. Allele origin: germline.

Illumina Laboratory Services, Illumina
Classification: Uncertain significance for Autosomal recessive limb-girdle muscular dystrophy type 2J. Last evaluated: 2018-01-13. Review status: criteria provided, single submitter. Criteria: ICSL Variant Classification Criteria 13 December 2019. Collection method: clinical testing. Allele origin: germline.

Illumina Laboratory Services, Illumina
Classification: Benign for Myopathy, myofibrillar, 9, with early respiratory failure. Last evaluated: 2018-01-13. Review status: criteria provided, single submitter. Criteria: ICSL Variant Classification Criteria 13 December 2019. Collection method: clinical testing. Allele origin: germline.
Comment: This variant was observed in the ICSL laboratory as part of a predisposition screen in an ostensibly healthy population. It had not been previously curated by ICSL or reported in the Human Gene Mutation Database (HGMD: prior to June 1st, 2018), and was therefore a candidate for classification through an automated scoring system. Utilizing variant allele frequency, disease prevalence and penetrance estimates, and inheritance mode, an automated score was calculated to assess if this variant is too frequent to cause the disease. Based on the score and internal cut-off values, a variant classified as benign is not then subjected to further curation. The score for this variant resulted in a classification of benign for this disease.

Illumina Laboratory Services, Illumina
Classification: Benign for Tibial muscular dystrophy. Last evaluated: 2018-01-13. Review status: criteria provided, single submitter. Criteria: ICSL Variant Classification Criteria 13 December 2019. Collection method: clinical testing. Allele origin: germline.
Comment: the same text as in the submission from Illumina Laboratory Services, Illumina above.

Laboratory for Molecular Medicine, Mass General Brigham Personalized Medicine
Classification: Benign. Last evaluated: 2017-11-13. Review status: criteria provided, single submitter. Criteria: LMM Criteria. Collection method: clinical testing. Allele origin: germline. Observed: 5 variant alleles.
Comment: p.Thr21822Ala in exon 275 of TTN: This variant is not expected to have clinical significance because it has been identified in 0.7% (159/23992) of African chrom osomes by the Genome Aggregation Database (gnomAD. org; dbSNP rs182491843). BA1

CHEO Genetics Diagnostic Laboratory, Children's Hospital of Eastern Ontario
Classification: Likely benign for Cardiomyopathy. Last evaluated: 2016-09-08. Review status: criteria provided, single submitter. Criteria: ACMG Guidelines, 2015. Collection method: clinical testing. Allele origin: germline. Study: Canadian Open Genetics Repository.

Eurofins Ntd Llc (ga)
Classification: Likely benign. Last evaluated: 2014-12-16. Review status: criteria provided, single submitter. Criteria: EGL Classification Definitions 2015. Collection method: clinical testing. Allele origin: germline. Observed: 1 variant allele, 1 heterozygote.

Ambry Genetics
Classification: Likely benign for Cardiovascular phenotype. Last evaluated: 2013-11-08. Review status: criteria provided, single submitter. Criteria: Ambry Autosomal Dominant and X-Linked criteria (10/2015). Collection method: clinical testing. Allele origin: germline. Observed: 1 variant allele.

Biesecker Lab/Clinical Genomics Section, National Institutes of Health
Classification: Benign. Last evaluated: 2013-06-24. Review status: criteria provided, single submitter. Criteria: Ng et al. (Circ Cardiovasc Genet. 2013). Collection method: research. Allele origin: unknown. Observed: 2 variant alleles. Study: ClinSeq.
Comment: The study set was not selected for affection status in relation to any cancer. Pathogenicity categories were based on literature curation. See Pubmed ID:23861362 for details.

Medical sequencing

Clinical Genetics DNA and cytogenetics Diagnostics Lab, Erasmus MC, Erasmus Medical Center
Classification: Likely benign. Review status: no assertion criteria provided. Collection method: clinical testing. Allele origin: germline. Affected: yes. Study: VKGL Data-share Consensus. Not counted in ClinVar's aggregate classification.

Clinical Genetics, Academic Medical Center
Classification: Benign. Review status: no assertion criteria provided. Collection method: clinical testing. Allele origin: germline. Affected: yes. Study: VKGL Data-share Consensus. Not counted in ClinVar's aggregate classification.

Genome Diagnostics Laboratory, University Medical Center Utrecht
Classification: Likely benign. Review status: no assertion criteria provided. Collection method: clinical testing. Allele origin: germline. Affected: yes. Study: VKGL Data-share Consensus. Not counted in ClinVar's aggregate classification.

Literature cited by the submitters: PubMed 23861362 (cited by 3 submitters); PubMed 24503780 (cited by Mayo Clinic Laboratories, Mayo Clinic and Women's Health and Genetics/Laboratory Corporation of America, LabCorp).